The following is an entry in ClinVar:

NM_000132.4(F8):c.5009C>T (p.Thr1670Ile)

Gene: F8 (coagulation factor VIII; minus strand). Cytogenetic location: Xq28.
Variant type: single nucleotide variant.
Coding change: c.5009C>T on transcript NM_000132.4 (MANE Select); coding-DNA position 5009, C replaced by T.
Protein change: p.Thr1670Ile; replaces threonine 1670 with isoleucine.
Molecular consequence: missense variant.
Genome position (GRCh38, 1-based): chrX:154,928,781, G>A on the plus strand (C>T on the coding strand, the complement: F8 is on the minus strand). VCF-style: chrX-154928781-G-A. GRCh37 (hg19) VCF-style: chrX-154157056-G-A.
Other names: c.5009C>T (NM_000132.3); short protein forms T1670I.
Identifiers: ClinVar variation 1331041 (VCV001331041.11), dbSNP rs200396298, ClinGen allele CA10568048.
Genomic context (GRCh38, chrX:154,928,781, plus strand): 5'-TCAACTGATATGGTATCATCATAGTCAATTTCCTCTTGATCTGACTGAAGAGTAGTACGA[G>A]TTATTTCCCGTTGATGGCGTTTCAAGACTGGTGGGTTTTGAGAGCACAGCCTTTCAGTCC-3'
Protein context (NP_000123.1, residues 1660-1680): PVLKRHQREI[Thr1670Ile]RTTLQSDQEE

ClinVar aggregate classification (germline): Uncertain significance. Review status: criteria provided, multiple submitters, no conflicts (2 of 4 stars). 3 submissions from 3 submitters: Uncertain significance (3). Last evaluated 2025-06-18.

Conditions:
Inborn genetic diseases. Identifiers: MedGen C0950123, MeSH D030342.
Hereditary factor VIII deficiency disease (HEMA). Also called: HEMOPHILIA, CLASSIC; AUTOSOMAL HEMOPHILIA A; Hemophilia A; Hemophilia A, congenital; HEM A; Factor 8 deficiency, congenital. Identifiers: Orphanet 98878, MedGen C0019069, MONDO:0010602, OMIM 306700.

Allele frequency attached by ClinVar (database versions not stated): gnomAD exomes 0.00003 and 0.00025; gnomAD 0.00004; TOPMed 0.00004; ExAC 0.00006.
gnomAD v4.1: 272 of 1,209,733 alleles (0.022%); highest among the groups gnomAD compares: Non-Finnish European, 0.029%; no homozygotes.

Submissions (3):

Ambry Genetics
Classification: Uncertain significance for Inborn genetic diseases. Last evaluated: 2025-06-18. Review status: criteria provided, single submitter. Criteria: Ambry Variant Classification Scheme 2023. Collection method: clinical testing. Allele origin: germline.

Women's Health and Genetics/Laboratory Corporation of America, LabCorp
Classification: Uncertain significance. Last evaluated: 2023-12-08. Review status: criteria provided, single submitter. Criteria: LabCorp Variant Classification Summary - May 2015. Collection method: clinical testing. Allele origin: germline.
Comment: Variant summary: F8 c.5009C>T (p.Thr1670Ile) results in a non-conservative amino acid change in the encoded protein sequence. Three of five in-silico tools predict a damaging effect of the variant on protein function. The variant allele was found at a frequency of 3.3e-05 in 183200 control chromosomes (gnomAD). The available data on variant occurrences in the general population are insufficient to allow any conclusion about variant significance. To our knowledge, no occurrence of c.5009C>T in individuals affected with Factor VIII Deficiency (Hemophilia A) and no experimental evidence demonstrating its impact on protein function have been reported. Two submitters have cited clinical-significance assessments for this variant to ClinVar after 2014. All submitters classified the variant as uncertain significance. Based on the evidence outlined above, the variant was classified as uncertain significance.

ARUP Laboratories, Molecular Genetics and Genomics, ARUP Laboratories
Classification: Uncertain significance for Hereditary factor VIII deficiency disease. Last evaluated: 2021-03-15. Review status: criteria provided, single submitter. Criteria: ARUP Molecular Germline Variant Investigation Process 2021. Collection method: clinical testing. Allele origin: germline.
Comment: The F8 c.5009C>T; p.Thr1670Ile variant (rs200396298), to our knowledge, is not reported in the medical literature or gene specific databases. This variant is found in the general population with an overall allele frequency of 0.003% (7/205065 alleles, including 3 hemizygotes) in the Genome Aggregation Database. The threonine at codon 1670 is weakly conserved, and computational analyses predict that this variant is neutral (REVEL: 0.149). However, given the lack of clinical and functional data, the significance of the p.Thr1670Ile variant is uncertain at this time.